The following is an entry in ClinVar:

NM_000195.5(HPS1):c.467_476del (p.Tyr156fs)

Gene: HPS1 (HPS1 biogenesis of lysosomal organelles complex 3 subunit 1; minus strand). Cytogenetic location: 10q24.2.
Variant type: Deletion.
Coding change: c.467_476del on transcript NM_000195.5 (MANE Select); coding-DNA positions 467 to 476, 10 bases deleted (ACAGCCGCCT; older notation c.467_476delACAGCCGCCT).
Protein change: p.Tyr156fs; shifts the reading frame from tyrosine 156.
Molecular consequence: frameshift variant. On other transcripts: 5 prime UTR variant (3).
Genome position (GRCh38, 1-based): chr10:98,434,014-98,434,023, AGGCGGCTGT deleted on the plus strand (ACAGCCGCCT on the coding strand, the reverse complement: HPS1 is on the minus strand); deleting any 10 consecutive bases within chr10:98,434,014-98,434,026 gives the same sequence; the c. name uses the placement nearest the transcript's 3' end. VCF-style (leftmost placement, unchanged base first): chr10-98434013-CAGGCGGCTGT-C. GRCh37 (hg19) VCF-style: chr10-100193770-CAGGCGGCTGT-C.
Other names: c.467_476delACAGCCGCCT (NM_000195.4); c.-450_-441del (NM_001311345.2, NM_001322489.2); c.467_476del, p.Tyr156fs (NM_001322476.2, NM_001322477.2, NM_001322478.2 and 5 more transcripts); c.324_333del, p.Gln109fs (NM_001322480.2, NM_001322481.2, NM_001322482.2); c.98_107del, p.Tyr33fs (NM_001322483.2, NM_001322484.2, NM_001322485.2); c.-549_-540del (NM_001322487.2); short protein forms Y156fs, Q109fs, Y33fs.
Identifiers: ClinVar variation 934183 (VCV000934183.15), dbSNP rs1846922474, ClinGen allele CA471111809.

ClinVar aggregate classification (germline): Pathogenic. Review status: criteria provided, multiple submitters, no conflicts (2 of 4 stars). 4 submissions from 4 submitters: Pathogenic (4). Last evaluated 2025-10-18.

Conditions:
Hermansky-Pudlak syndrome (HPS). Also called: ALBINISM WITH HEMORRHAGIC DIATHESIS AND PIGMENTED RETICULOENDOTHELIAL CELLS. Identifiers: Orphanet 79430, MedGen C0079504, MONDO:0019312.
Hermansky-Pudlak syndrome 1 (HPS1). Also called: DELTA STORAGE POOL DISEASE. Identifiers: Orphanet 231500, Orphanet 79430, MedGen C2931875, MONDO:0008748, OMIM 203300.

Submissions (4):

Labcorp Genetics (formerly Invitae), Labcorp
Classification: Pathogenic. Last evaluated: 2025-10-18. Review status: criteria provided, single submitter. Criteria: Invitae Variant Classification Sherloc (09022015). Collection method: clinical testing. Allele origin: germline.
Comment: This sequence change creates a premature translational stop signal (p.Tyr156Cysfs*16) in the HPS1 gene. It is expected to result in an absent or disrupted protein product. Loss-of-function variants in HPS1 are known to be pathogenic (PMID: 12442288, 16185271). This variant is not present in population databases (gnomAD no frequency). This premature translational stop signal has been observed in individual(s) with Hermansky-Pudlak syndrome (PMID: 21833017). ClinVar contains an entry for this variant (Variation ID: 934183). For these reasons, this variant has been classified as Pathogenic.

Natera, Inc.
Classification: Pathogenic for Hermansky-Pudlak syndrome. Last evaluated: 2025-07-07. Review status: criteria provided, single submitter. Criteria: Natera Variant Classification Schema (03/2026). Collection method: clinical testing. Allele origin: germline.
Comment: The c.467_476delACAGCCGCCT variant in HPS1 is a frameshift variant predicted to shift the reading frame beginning at codon 156 and leads to a stop codon 16 codons downstream. This variant is expected to result in nonsense mediated decay, truncation, or a dysfunctional protein product. This variant is rare in the general population with a frequency below the threshold expected for the associated phenotype(s). This variant has been observed in one or more individuals affected with the associated recessive disease, as either homozygous or compound heterozygous with a second variant (PMID: 21833017, 33423334). Given the available evidence, this variant is classified as Pathogenic.

Baylor Genetics
Classification: Pathogenic for Hermansky-Pudlak syndrome 1. Last evaluated: 2024-03-22. Review status: criteria provided, single submitter. Criteria: ACMG Guidelines, 2015. Collection method: clinical testing. Allele origin: unknown.

Fulgent Genetics
Classification: Pathogenic for Hermansky-Pudlak syndrome 1. Last evaluated: 2021-12-22. Review status: criteria provided, single submitter. Criteria: ACMG Guidelines, 2015. Collection method: clinical testing. Allele origin: unknown.

Literature cited by the submitters: PubMed 12442288 (cited by Labcorp Genetics (formerly Invitae), Labcorp); PubMed 16185271 (cited by Labcorp Genetics (formerly Invitae), Labcorp); PubMed 21833017 (cited by Labcorp Genetics (formerly Invitae), Labcorp and Natera, Inc.); PubMed 33423334 (cited by Natera, Inc.).